The following is an entry in ClinVar:

ClinVar aggregate classification (germline): Likely pathogenic (1 of 4 stars; one submission).

Conditions:
Hemolytic uremic syndrome, atypical, susceptibility to, 1. Also called: AHUS, SUSCEPTIBILITY TO, 1. Identifiers: Orphanet 2134, Orphanet 90038, MedGen C2749604, MONDO:0009335, OMIM 235400. Disease mechanism: Other.

Submission:

MVZ Medizinische Genetik Mainz
Classification: Likely pathogenic for Hemolytic uremic syndrome, atypical, susceptibility to, 1. Last evaluated: 2021-12-22. Review status: criteria provided, single submitter. Criteria: UK Practice Guidelines For Variant Classification V4 01 2020. Collection method: clinical testing. Allele origin: germline. Inheritance: Autosomal dominant inheritance. Affected: yes. Observed: 1 variant allele.
Comment: ACMG Criteria: PM1_STR, PM2_SUP, PM5, PP3, PP4

NM_000186.4(CFH):c.2609G>A (p.Cys870Tyr)

Gene: CFH (complement factor H; plus strand). Cytogenetic location: 1q31.3.
Variant type: single nucleotide variant.
Coding change: c.2609G>A on transcript NM_000186.4 (MANE Select); coding-DNA position 2609, G replaced by A.
Protein change: p.Cys870Tyr; replaces cysteine 870 with tyrosine.
Molecular consequence: missense variant.
Genome position (GRCh38, 1-based): chr1:196,737,487, G>A. VCF-style: chr1-196737487-G-A. GRCh37 (hg19) VCF-style: chr1-196706617-G-A.
Other names: short protein forms C870Y.
Identifiers: ClinVar variation 3066382 (VCV003066382.1), dbSNP rs2529534149, ClinGen allele CA343993551.
Genomic context (GRCh38, chr1:196,737,487, plus strand): 5'-TAAGTATTTTATTTGTTTTTAACCCTTTGATTTTCATTCTTCATTTAGAAAAAATTCCAT[G>A]TTCACAACCACCTCAGATAGAACACGGAACCATTAATTCATCCAGGTCTTCACAAGAAAG-3'
Protein context (NP_000177.2, residues 860-880): SIPLCVEKIP[Cys870Tyr]SQPPQIEHGT